The following is an entry in ClinVar:

NM_015041.3(CLUAP1):c.1100C>T (p.Ser367Leu)

Gene: CLUAP1 (clusterin associated protein 1; plus strand). Cytogenetic location: 16p13.3.
Variant type: single nucleotide variant.
Coding change: c.1100C>T on transcript NM_015041.3 (MANE Select); coding-DNA position 1100, C replaced by T.
Protein change: p.Ser367Leu; replaces serine 367 with leucine.
Molecular consequence: missense variant.
Genome position (GRCh38, 1-based): chr16:3,536,129, C>T. VCF-style: chr16-3536129-C-T. GRCh37 (hg19) VCF-style: chr16-3586129-C-T.
Other names: c.1100C>T (NM_015041.1); c.1157C>T, p.Ser386Leu (NM_001330454.2); c.602C>T, p.Ser201Leu (NM_024793.3); short protein forms S201L, S367L, S386L.
Identifiers: ClinVar variation 1000252 (VCV001000252.8), dbSNP rs202061654, ClinGen allele CA7864045.

ClinVar aggregate classification (germline): Uncertain significance. Review status: criteria provided, multiple submitters, no conflicts (2 of 4 stars). 2 submissions from 2 submitters: Uncertain significance (2). Last evaluated 2025-12-26.

Allele frequency attached by ClinVar (database versions not stated): ExAC 0.00012; TOPMed 0.00014; ESP Exome Variant Server 0.00015; gnomAD 0.00017 and 0.00019.

Submissions (2):

Labcorp Genetics (formerly Invitae), Labcorp
Classification: Uncertain significance. Last evaluated: 2025-12-26. Review status: criteria provided, single submitter. Criteria: Invitae Variant Classification Sherloc (09022015). Collection method: clinical testing. Allele origin: germline.
Comment: This sequence change replaces serine, which is neutral and polar, with leucine, which is neutral and non-polar, at codon 367 of the CLUAP1 protein (p.Ser367Leu). This variant is present in population databases (rs202061654, gnomAD 0.03%). This variant has not been reported in the literature in individuals affected with CLUAP1-related conditions. ClinVar contains an entry for this variant (Variation ID: 1000252). Invitae Evidence Modeling of protein sequence and biophysical properties (such as structural, functional, and spatial information, amino acid conservation, physicochemical variation, residue mobility, and thermodynamic stability) indicates that this missense variant is not expected to disrupt CLUAP1 protein function with a negative predictive value of 80%. In summary, the available evidence is currently insufficient to determine the role of this variant in disease. Therefore, it has been classified as a Variant of Uncertain Significance.

Ambry Genetics
Classification: Uncertain significance. Last evaluated: 2024-12-04. Review status: criteria provided, single submitter. Criteria: Ambry Variant Classification Scheme 2023. Collection method: clinical testing. Allele origin: germline.